The following is an entry in ClinVar:

NC_000002.11:g.(?_50692560)_(51153113_?)del

Gene: NRXN1 (neurexin 1; minus strand). Cytogenetic location: 2p16.3.
Variant type: Deletion.
Identifiers: ClinVar variation 3247387 (VCV003247387.1).

ClinVar aggregate classification (germline): Pathogenic (1 of 4 stars; one submission).

Conditions:
Pitt-Hopkins-like syndrome 2 (PTHSL2). Identifiers: Orphanet 221150, Orphanet 600663, MedGen C3280479, MONDO:0013690, OMIM 614325.

Submission:

Labcorp Genetics (formerly Invitae), Labcorp
Classification: Pathogenic for Pitt-Hopkins-like syndrome 2. Last evaluated: 2023-11-07. Review status: criteria provided, single submitter. Criteria: Invitae Variant Classification Sherloc (09022015). Collection method: clinical testing. Allele origin: unknown.
Comment: This variant is a gross deletion of the genomic region encompassing exon(s) 4-18 of the NRXN1 gene. This variant would be expected to be in-frame, preserving the integrity of the reading frame. This variant has not been reported in the literature in individuals affected with NRXN1-related conditions. The region of the NRXN1 gene that includes exon(s) 4 has been determined to be clinically significant (PMID: 21827697, 30031152; Invitae). Therefore, deletions that encompass that region are likely to be disease-causing. For these reasons, this variant has been classified as Pathogenic.

Literature cited by the submitters: PubMed 21827697; PubMed 30031152.